The following is an entry in ClinVar:

NM_001366521.1(ATP2B1):c.289dup (p.Thr97fs)

Gene: ATP2B1 (ATPase plasma membrane Ca2+ transporting 1; minus strand). Cytogenetic location: 12q21.33.
Variant type: Duplication.
Coding change: c.289dup on transcript NM_001366521.1 (MANE Select); coding-DNA position 289, one base duplicated (A; older notation c.289dupA).
Protein change: p.Thr97fs; shifts the reading frame from threonine 97.
Molecular consequence: frameshift variant. On other transcripts: non-coding transcript variant (3), intron variant (3).
Genome position (GRCh38, 1-based): chr12:89,642,275, T duplicated on the plus strand (A on the coding strand, the reverse complement: ATP2B1 is on the minus strand); the first of 5 consecutive T bases (chr12:89,642,275-89,642,279); duplicating any one gives the same sequence. VCF-style (leftmost placement, unchanged base first): chr12-89642274-G-GT. GRCh37 (hg19) VCF-style: chr12-90036051-G-GT.
Other names: c.289dup, p.Thr97fs (NM_001001323.2, NM_001366520.1, NM_001366522.1 and 23 more transcripts); c.209-7024dup (NM_001413053.1, NM_001366530.1); c.209-7372dup (NM_001413057.1); short protein forms T97fs.
Identifiers: ClinVar variation 4845315 (VCV004845315.1).

ClinVar aggregate classification (germline): Likely pathogenic (1 of 4 stars; one submission).

Conditions:
Intellectual developmental disorder, autosomal dominant 66. Also called: MENTAL RETARDATION, AUTOSOMAL DOMINANT 66. Identifiers: MedGen C5677000, MONDO:0030891, OMIM 619910.

Submission:

Centro de Investigaciones en Bioquimica Clinica e Inmunologia, Consejo Nacional de Investigaciones Científicas y Técnicas
Classification: Likely pathogenic for Intellectual developmental disorder, autosomal dominant 66. Last evaluated: 2026-03-09. Review status: criteria provided, single submitter. Criteria: ACMG Guidelines, 2015. Collection method: research. Allele origin: germline. Inheritance: Autosomal dominant inheritance. Affected: yes. Observed: 1 variant allele.
Comment: The variant results in a frameshift leading to a premature termination codon and is predicted to result in loss of normal protein function. Loss-of-function is an established disease mechanism for ATP2B1-related intellectual developmental disorder 66 (MIM:619910), fulfilling the PVS1 criterion. The variant is absent from population databases, including gnomAD (PM2_Supporting). Based on the available evidence, this variant is classified as Likely Pathogenic.